The following is an entry in ClinVar:

NM_000593.6(TAP1):c.1699A>T (p.Lys567Ter)

Gene: TAP1 (transporter 1, ATP binding cassette subfamily B member; minus strand). Cytogenetic location: 6p21.32.
Variant type: single nucleotide variant.
Coding change: c.1699A>T on transcript NM_000593.6 (MANE Select); coding-DNA position 1699, A replaced by T.
Protein change: p.Lys567Ter; replaces lysine 567 with a stop codon.
Molecular consequence: nonsense.
Genome position (GRCh38, 1-based): chr6:32,847,960, T>A on the plus strand (A>T on the coding strand, the complement: TAP1 is on the minus strand). VCF-style: chr6-32847960-T-A. GRCh37 (hg19) VCF-style: chr6-32815737-T-A.
Other names: c.1096A>T, p.Lys366Ter (NM_001292022.2); short protein forms K366*, K567*.
Identifiers: ClinVar variation 2796271 (VCV002796271.3), dbSNP rs2483142817, ClinGen allele CA363591429.

ClinVar aggregate classification (germline): Pathogenic (1 of 4 stars; one submission).

Conditions:
MHC class I deficiency. Identifiers: Orphanet 34592, MedGen C6024714, MONDO:0011476.

Allele frequency attached by ClinVar (database versions not stated): gnomAD exomes 0.00001.
gnomAD v4.1: 5 of 1,613,108 alleles (0.00031%); highest among the groups gnomAD compares: Non-Finnish European, 0.00042%; no homozygotes.

Submission:

Labcorp Genetics (formerly Invitae), Labcorp
Classification: Pathogenic for MHC class I deficiency 1. Last evaluated: 2023-05-23. Review status: criteria provided, single submitter. Criteria: Invitae Variant Classification Sherloc (09022015). Collection method: clinical testing. Allele origin: germline.
Comment: For these reasons, this variant has been classified as Pathogenic. This variant has not been reported in the literature in individuals affected with TAP1-related conditions. This variant is not present in population databases (gnomAD no frequency). This sequence change creates a premature translational stop signal (p.Lys627*) in the TAP1 gene. It is expected to result in an absent or disrupted protein product. Loss-of-function variants in TAP1 are known to be pathogenic (PMID: 10074494, 10074495).

Literature cited by the submitters: PubMed 10074494; PubMed 10074495.